The following is an entry in ClinVar:

ClinVar aggregate classification (germline): Likely pathogenic (1 of 4 stars; one submission).

Conditions:
Factor V and factor VIII, combined deficiency of, type 1. Also called: MULTIPLE COAGULATION FACTOR DEFICIENCY I; FMFD I; Combined factor V and VIII deficiency; FAMILIAL MULTIPLE COAGULATION FACTOR DEFICIENCY I. Identifiers: Orphanet 35909, MedGen C4551981, MONDO:0009206, OMIM 227300.

Submission:

First Genomix Gene Laboratory, Genetic Diagnostics Department
Classification: Likely pathogenic for Factor V and factor VIII, combined deficiency of, type 1. Last evaluated: 2025-05-29. Review status: criteria provided, single submitter. Criteria: ACMG Guidelines, 2015. Collection method: clinical testing. Allele origin: germline. Inheritance: Autosomal recessive inheritance. Affected: no. Observed: 1 variant allele.

NM_005570.4(LMAN1):c.478-11_483delinsATTTTTTTAGGAAAAA

Gene: LMAN1 (lectin, mannose binding 1; minus strand). Cytogenetic location: 18q21.32.
Variant type: Indel.
Coding change: c.478-11_483delinsATTTTTTTAGGAAAAA on transcript NM_005570.4 (MANE Select); 11 bases into the intron before coding-DNA position 478 through coding-DNA position 483, CTTTTTTTTAGAAAAAT replaced by ATTTTTTTAGGAAAAA.
Molecular consequence: splice acceptor variant.
Genome position (GRCh38, 1-based): chr18:59,354,575-59,354,591, ATTTTTCTAAAAAAAAG replaced by TTTTTCCTAAAAAAAT on the plus strand (CTTTTTTTTAGAAAAAT replaced by ATTTTTTTAGGAAAAA on the coding strand, the reverse complement: LMAN1 is on the minus strand). GRCh37 (hg19): chr18:57,021,807-57,021,823.
Identifiers: ClinVar variation 4849411 (VCV004849411.1).